The following is an entry in ClinVar:

ClinVar aggregate classification (germline): Uncertain significance. Review status: criteria provided, multiple submitters, no conflicts (2 of 4 stars). 3 submissions from 3 submitters: Uncertain significance (3). Last evaluated 2025-12-05.

Conditions:
Charcot-Marie-Tooth disease axonal type 2O. Also called: CHARCOT-MARIE-TOOTH NEUROPATHY, AXONAL, TYPE 2O; CHARCOT-MARIE-TOOTH DISEASE, AXONAL, AUTOSOMAL DOMINANT, TYPE 2O; Charcot-Marie-Tooth Neuropathy Type 2O; Charcot-Marie-Tooth disease, axonal, type 20. Identifiers: Orphanet 284232, MedGen C3280220, MONDO:0013644, OMIM 614228.

Allele frequency attached by ClinVar (database versions not stated): gnomAD exomes below 0.00001.
gnomAD v4.1: 1 of 1,614,164 alleles (0.000062%); highest among the groups gnomAD compares: Non-Finnish European, 0.000085%; no homozygotes.

Submissions (3):

Women's Health and Genetics/Laboratory Corporation of America, LabCorp
Classification: Uncertain significance. Last evaluated: 2025-12-05. Review status: criteria provided, single submitter. Criteria: LabCorp Variant Classification Summary - May 2015. Collection method: clinical testing. Allele origin: germline.
Comment: Variant summary: DYNC1H1 c.4525C>T (p.Leu1509Phe) results in a non-conservative amino acid change in the encoded protein sequence. Algorithms developed to predict the effect of missense changes on protein structure and function are either unavailable or do not agree on the potential impact of this missense change. The variant was absent in 251476 control chromosomes. The available data on variant occurrences in the general population are insufficient to allow any conclusion about variant significance. To our knowledge, no occurrence of c.4525C>T in individuals affected with DYNC1H1-related conditions and no experimental evidence demonstrating its impact on protein function have been reported. ClinVar contains an entry for this variant (Variation ID: 2156178). Based on the evidence outlined above, the variant was classified as uncertain significance.

Labcorp Genetics (formerly Invitae), Labcorp
Classification: Uncertain significance for Charcot-Marie-Tooth disease axonal type 2O. Last evaluated: 2025-08-29. Review status: criteria provided, single submitter. Criteria: Invitae Variant Classification Sherloc (09022015). Collection method: clinical testing. Allele origin: germline.
Comment: This sequence change replaces leucine, which is neutral and non-polar, with phenylalanine, which is neutral and non-polar, at codon 1509 of the DYNC1H1 protein (p.Leu1509Phe). This variant is not present in population databases (gnomAD no frequency). This variant has not been reported in the literature in individuals affected with DYNC1H1-related conditions. ClinVar contains an entry for this variant (Variation ID: 2156178). Invitae Evidence Modeling of protein sequence and biophysical properties (such as structural, functional, and spatial information, amino acid conservation, physicochemical variation, residue mobility, and thermodynamic stability) has been performed for this missense variant. However, the output from this modeling did not meet the statistical confidence thresholds required to predict the impact of this variant on DYNC1H1 protein function. In summary, the available evidence is currently insufficient to determine the role of this variant in disease. Therefore, it has been classified as a Variant of Uncertain Significance.

Blueprint Genetics
Classification: Uncertain significance. Last evaluated: 2024-04-25. Review status: criteria provided, single submitter. Criteria: ACMG Guidelines, 2015. Collection method: clinical testing. Allele origin: germline.

NM_001376.5(DYNC1H1):c.4525C>T (p.Leu1509Phe)

Gene: DYNC1H1 (dynein cytoplasmic 1 heavy chain 1; plus strand). Cytogenetic location: 14q32.31.
Variant type: single nucleotide variant.
Coding change: c.4525C>T on transcript NM_001376.5 (MANE Select); coding-DNA position 4525, C replaced by T.
Protein change: p.Leu1509Phe; replaces leucine 1509 with phenylalanine.
Molecular consequence: missense variant.
Genome position (GRCh38, 1-based): chr14:102,001,664, C>T. VCF-style: chr14-102001664-C-T. GRCh37 (hg19) VCF-style: chr14-102468001-C-T.
Other names: short protein forms L1509F.
Identifiers: ClinVar variation 2156178 (VCV002156178.6), dbSNP rs2048132099, ClinGen allele CA391042796.